The following is an entry in ClinVar:

NM_006420.3(ARFGEF2):c.2101G>A (p.Ala701Thr)

Gene: ARFGEF2 (ARF guanine nucleotide exchange factor 2; plus strand). Cytogenetic location: 20q13.13.
Variant type: single nucleotide variant.
Coding change: c.2101G>A on transcript NM_006420.3 (MANE Select); coding-DNA position 2101, G replaced by A.
Protein change: p.Ala701Thr; replaces alanine 701 with threonine.
Molecular consequence: missense variant.
Genome position (GRCh38, 1-based): chr20:48,985,438, G>A. VCF-style: chr20-48985438-G-A. GRCh37 (hg19) VCF-style: chr20-47601975-G-A.
Other names: short protein forms A701T.
Identifiers: ClinVar variation 994978 (VCV000994978.3), dbSNP rs201298117, ClinGen allele CA9898564.

ClinVar aggregate classification (germline): Uncertain significance. Review status: criteria provided, multiple submitters, no conflicts (2 of 4 stars). 2 submissions from 2 submitters: Uncertain significance (2). Last evaluated 2022-08-19.

Allele frequency attached by ClinVar (database versions not stated): ExAC 0.00002; TOPMed 0.00002; 1000 Genomes Project 30x 0.00016; 1000 Genomes Project 0.00020.
gnomAD v4.1: 33 of 1,614,142 alleles (0.002%); highest among the groups gnomAD compares: African/African-American, 0.0093%; no homozygotes.

Submissions (2):

Labcorp Genetics (formerly Invitae), Labcorp
Classification: Uncertain significance. Last evaluated: 2022-08-19. Review status: criteria provided, single submitter. Criteria: Invitae Variant Classification Sherloc (09022015). Collection method: clinical testing. Allele origin: germline.
Comment: This sequence change replaces alanine, which is neutral and non-polar, with threonine, which is neutral and polar, at codon 701 of the ARFGEF2 protein (p.Ala701Thr). This variant is present in population databases (rs201298117, gnomAD 0.02%). This variant has not been reported in the literature in individuals affected with ARFGEF2-related conditions. ClinVar contains an entry for this variant (Variation ID: 994978). Algorithms developed to predict the effect of missense changes on protein structure and function output the following: SIFT: "Tolerated"; PolyPhen-2: "Benign"; Align-GVGD: "Class C0". The threonine amino acid residue is found in multiple mammalian species, which suggests that this missense change does not adversely affect protein function. In summary, the available evidence is currently insufficient to determine the role of this variant in disease. Therefore, it has been classified as a Variant of Uncertain Significance.

Athena Diagnostics
Classification: Uncertain significance. Last evaluated: 2019-09-24. Review status: criteria provided, single submitter. Criteria: Athena Diagnostics Criteria. Collection method: clinical testing. Allele origin: unknown.